The following is an entry in ClinVar:

NM_001846.4(COL4A2):c.3118G>T (p.Gly1040Ter)

Gene: COL4A2 (collagen type IV alpha 2 chain; plus strand). Cytogenetic location: 13q34.
Variant type: single nucleotide variant.
Coding change: c.3118G>T on transcript NM_001846.4 (MANE Select); coding-DNA position 3118, G replaced by T.
Protein change: p.Gly1040Ter; replaces glycine 1040 with a stop codon.
Molecular consequence: nonsense.
Genome position (GRCh38, 1-based): chr13:110,485,747, G>T. VCF-style: chr13-110485747-G-T. GRCh37 (hg19) VCF-style: chr13-111138094-G-T.
Other names: short protein forms G1040*.
Identifiers: ClinVar variation 3903363 (VCV003903363.1).

ClinVar aggregate classification (germline): Uncertain significance (1 of 4 stars; one submission).

gnomAD v4.1: 2 of 1,613,888 alleles (0.00012%); highest among the groups gnomAD compares: East Asian, 0.0022%; no homozygotes.

Submission:

GeneDx
Classification: Uncertain significance. Last evaluated: 2024-12-08. Review status: criteria provided, single submitter. Criteria: GeneDx Variant Classification Process June 2021. Collection method: clinical testing. Allele origin: germline. Affected: yes.
Comment: Not observed at significant frequency in large population cohorts (gnomAD); Nonsense variant predicted to result in protein truncation or nonsense mediated decay in a gene or region of a gene for which loss of function is not a well-established mechanism of disease; Has not been previously published as pathogenic or benign to our knowledge